The following is an entry in ClinVar:

NM_001035.3(RYR2):c.7603T>C (p.Phe2535Leu)

Gene: RYR2 (ryanodine receptor 2; plus strand). Cytogenetic location: 1q43.
Variant type: single nucleotide variant.
Coding change: c.7603T>C on transcript NM_001035.3 (MANE Select); coding-DNA position 7603, T replaced by C.
Protein change: p.Phe2535Leu; replaces phenylalanine 2535 with leucine.
Molecular consequence: missense variant.
Genome position (GRCh38, 1-based): chr1:237,649,967, T>C. VCF-style: chr1-237649967-T-C. GRCh37 (hg19) VCF-style: chr1-237813267-T-C.
Other names: short protein forms F2535L.
Identifiers: ClinVar variation 1332633 (VCV001332633.4), dbSNP rs2148796535, ClinGen allele CA345399167.

ClinVar aggregate classification (germline): Uncertain significance. Review status: criteria provided, multiple submitters, no conflicts (2 of 4 stars). 2 submissions from 2 submitters: Uncertain significance (2). Last evaluated 2024-03-07.

Conditions:
Catecholaminergic polymorphic ventricular tachycardia (CVPT). Also called: Catecholamine-induced polymorphic ventricular tachycardia. Identifiers: Orphanet 3286, MedGen C5574922, MONDO:0017990.
Cardiomyopathy (CMYO). Also called: Cardiomyopathies. Identifiers: Orphanet 167848, MedGen C0878544, MONDO:0004994, HP:0001638. Inheritance: Various modes of inheritance.

gnomAD v4.1: 4 of 1,614,016 alleles (0.00025%); highest among the groups gnomAD compares: South Asian, 0.0044%; no homozygotes.

Submissions (2):

Color Diagnostics, LLC DBA Color Health
Classification: Uncertain significance for Cardiomyopathy. Last evaluated: 2024-03-07. Review status: criteria provided, single submitter. Criteria: ACMG Guidelines, 2015. Collection method: clinical testing. Allele origin: germline.
Comment: This missense variant replaces phenylalanine with leucine at codon 2535 of the RYR2 protein. Computational prediction suggests that this variant may have deleterious impact on protein structure and function (internally defined REVEL score threshold >= 0.7, PMID: 27666373). To our knowledge, functional studies have not been reported for this variant. This variant has not been reported in individuals affected with cardiovascular disorders in the literature. This variant has not been identified in the general population by the Genome Aggregation Database (gnomAD). The available evidence is insufficient to determine the role of this variant in disease conclusively. Therefore, this variant is classified as a Variant of Uncertain Significance.

All of Us Research Program, National Institutes of Health
Classification: Uncertain significance for Catecholaminergic polymorphic ventricular tachycardia. Last evaluated: 2024-02-22. Review status: criteria provided, single submitter. Criteria: ACMG Guidelines, 2015. Collection method: clinical testing. Allele origin: germline. Inheritance: Autosomal dominant inheritance. Observed: 1 variant allele, 1 heterozygote.
Comment: This missense variant replaces phenylalanine with leucine at codon 2535 of the RYR2 protein. Computational prediction suggests that this variant may have deleterious impact on protein structure and function (internally defined REVEL score threshold >= 0.7, PMID: 27666373). To our knowledge, functional studies have not been reported for this variant. This variant has not been reported in individuals affected with cardiovascular disorders in the literature. This variant has not been identified in the general population by the Genome Aggregation Database (gnomAD). The available evidence is insufficient to determine the role of this variant in disease conclusively. Therefore, this variant is classified as a Variant of Uncertain Significance.

This study involves interpretation of variants in research participants for the purpose of population health screening. Participant phenotype was not available at the time of variant classification. Additional details can be found in publication PMID: 35346344, PMCID: PMC8962531